The following is an entry in ClinVar:

NM_024675.4(PALB2):c.1178A>G (p.Lys393Arg)

Gene: PALB2 (partner and localizer of BRCA2; minus strand). Cytogenetic location: 16p12.2.
Variant type: single nucleotide variant.
Coding change: c.1178A>G on transcript NM_024675.4 (MANE Select); coding-DNA position 1178, A replaced by G.
Protein change: p.Lys393Arg; replaces lysine 393 with arginine.
Molecular consequence: missense variant.
Genome position (GRCh38, 1-based): chr16:23,635,368, T>C on the plus strand (A>G on the coding strand, the complement: PALB2 is on the minus strand). VCF-style: chr16-23635368-T-C. GRCh37 (hg19) VCF-style: chr16-23646689-T-C.
Other names: short protein forms K393R.
Identifiers: ClinVar variation 219990 (VCV000219990.18), dbSNP rs765898856, ClinGen allele CA348561.

ClinVar aggregate classification (germline): Uncertain significance. Review status: criteria provided, multiple submitters, no conflicts (2 of 4 stars). 7 submissions from 7 submitters: Uncertain significance (7). Last evaluated 2025-12-30.

Conditions:
Hereditary cancer-predisposing syndrome. Also called: Tumor predisposition; Hereditary neoplastic syndrome; Neoplastic Syndromes, Hereditary; Hereditary Cancer Syndrome. Identifiers: Orphanet 140162, MedGen C0027672, MeSH D009386, MONDO:0015356.
Fanconi anemia complementation group N. Also called: PALB2-Related Fanconi Anemia. Identifiers: Orphanet 84, MedGen C1835817, MONDO:0012565, OMIM 610832. Disease mechanism: loss of function.
Pancreatic cancer, susceptibility to, 3. Identifiers: Orphanet 1333, MedGen C3150547, MONDO:0013236, OMIM 613348.
Familial cancer of breast. Also called: hereditary breast carcinoma; Hereditary breast cancer; BREAST CANCER, FAMILIAL. Identifiers: Orphanet 227535, MedGen C0346153, MONDO:0016419, OMIM 114480. Disease mechanism: loss of function.

Allele frequency attached by ClinVar (database versions not stated): gnomAD exomes below 0.00001; ExAC 0.00001; gnomAD 0.00001; TOPMed 0.00001.

Submissions (7):

Labcorp Genetics (formerly Invitae), Labcorp
Classification: Uncertain significance for Familial cancer of breast. Last evaluated: 2025-12-30. Review status: criteria provided, single submitter. Criteria: Invitae Variant Classification Sherloc (09022015). Collection method: clinical testing. Allele origin: germline.
Comment: This sequence change replaces lysine, which is basic and polar, with arginine, which is basic and polar, at codon 393 of the PALB2 protein (p.Lys393Arg). This variant is present in population databases (rs765898856, gnomAD 0.007%). This missense change has been observed in individual(s) with PALB2-related conditions (PMID: 26315354, 29360161). ClinVar contains an entry for this variant (Variation ID: 219990). Invitae Evidence Modeling of protein sequence and biophysical properties (such as structural, functional, and spatial information, amino acid conservation, physicochemical variation, residue mobility, and thermodynamic stability) indicates that this missense variant is not expected to disrupt PALB2 protein function with a negative predictive value of 80%. In summary, the available evidence is currently insufficient to determine the role of this variant in disease. Therefore, it has been classified as a Variant of Uncertain Significance.

Color Diagnostics, LLC DBA Color Health
Classification: Uncertain significance for Hereditary cancer-predisposing syndrome. Last evaluated: 2024-09-18. Review status: criteria provided, single submitter. Criteria: ACMG Guidelines, 2015. Collection method: clinical testing. Allele origin: germline.
Comment: This missense variant replaces lysine with arginine at codon 393 of the PALB2 protein. Computational prediction suggests that this variant may not impact protein structure and function. To our knowledge, functional studies have not been reported for this variant. This variant has not been reported in individuals affected with PALB2-related disorders in the literature. This variant has been identified in 1/250980 chromosomes in the general population by the Genome Aggregation Database (gnomAD). The available evidence is insufficient to determine the role of this variant in disease conclusively. Therefore, this variant is classified as a Variant of Uncertain Significance.

Women's Health and Genetics/Laboratory Corporation of America, LabCorp
Classification: Uncertain significance. Last evaluated: 2023-12-14. Review status: criteria provided, single submitter. Criteria: LabCorp Variant Classification Summary - May 2015. Collection method: clinical testing. Allele origin: germline.
Comment: Variant summary: PALB2 c.1178A>G (p.Lys393Arg) results in a conservative amino acid change in the encoded protein sequence. Five of five in-silico tools predict a benign effect of the variant on protein function. The variant allele was found at a frequency of 4e-06 in 250980 control chromosomes. The available data on variant occurrences in the general population are insufficient to allow any conclusion about variant significance. c.1178A>G has been reported in the literature in individuals affected with ovarian cancer and pancreatic/breast cancer (e.g. Ramus_2015, Dudley_2018). However, these reports do not provide unequivocal conclusions about association of the variant with Hereditary Breast And Ovarian Cancer Syndrome. To our knowledge, no experimental evidence demonstrating an impact on protein function has been reported. The following publications have been ascertained in the context of this evaluation (PMID: 29360161, 26315354). Three submitters have cited clinical-significance assessments for this variant to ClinVar after 2014. All submitters classified the variant as uncertain significance. Based on the evidence outlined above, the variant was classified as uncertain significance.

GeneDx
Classification: Uncertain significance. Last evaluated: 2023-11-09. Review status: criteria provided, single submitter. Criteria: GeneDx Variant Classification Process June 2021. Collection method: clinical testing. Allele origin: germline. Affected: yes.
Comment: Not observed at significant frequency in large population cohorts (gnomAD); In silico analysis supports that this missense variant does not alter protein structure/function; Has not been previously published as pathogenic or benign to our knowledge

Baylor Genetics
Classification: Uncertain significance for Familial cancer of breast. Last evaluated: 2023-08-20. Review status: criteria provided, single submitter. Criteria: ACMG Guidelines, 2015. Collection method: clinical testing. Allele origin: unknown.

Ambry Genetics
Classification: Uncertain significance for Hereditary cancer-predisposing syndrome. Last evaluated: 2023-02-09. Review status: criteria provided, single submitter. Criteria: Ambry Variant Classification Scheme 2023. Collection method: clinical testing. Allele origin: germline.
Comment: The p.K393R variant (also known as c.1178A>G), located in coding exon 4 of the PALB2 gene, results from an A to G substitution at nucleotide position 1178. The lysine at codon 393 is replaced by arginine, an amino acid with highly similar properties. This amino acid position is not well conserved in available vertebrate species. In addition, this alteration is predicted to be tolerated by in silico analysis. Since supporting evidence is limited at this time, the clinical significance of this alteration remains unclear.

Fulgent Genetics
Classification: Uncertain significance for Familial cancer of breast; Fanconi anemia complementation group N; Pancreatic cancer, susceptibility to, 3. Last evaluated: 2021-12-17. Review status: criteria provided, single submitter. Criteria: ACMG Guidelines, 2015. Collection method: clinical testing. Allele origin: unknown.

Literature cited by the submitters: PubMed 26315354 (cited by Labcorp Genetics (formerly Invitae), Labcorp and Women's Health and Genetics/Laboratory Corporation of America, LabCorp); PubMed 29360161 (cited by Labcorp Genetics (formerly Invitae), Labcorp and Women's Health and Genetics/Laboratory Corporation of America, LabCorp).